The following is an entry in ClinVar:

ClinVar aggregate classification (germline): Uncertain significance (1 of 4 stars; one submission).

Conditions:
Pyridoxal phosphate-responsive seizures (PNPOD). Also called: Pyridoxine-5'-phosphate oxidase deficiency; Pyridoxal 5'-Phosphate (PLP)-Dependent Epilepsy; EPILEPTIC ENCEPHALOPATHY, NEONATAL, PNPO-RELATED; SEIZURES, PYRIDOXINE-RESISTANT, PLP-SENSITIVE; Pyridoxamine 5-Prime-Phosphate Oxidase Deficiency. Identifiers: Orphanet 79096, MedGen C1864723, MONDO:0012407, OMIM 610090. Disease mechanism: loss of function.

Allele frequency attached by ClinVar (database versions not stated): gnomAD exomes below 0.00001.

Submission:

Labcorp Genetics (formerly Invitae), Labcorp
Classification: Uncertain significance for Pyridoxal phosphate-responsive seizures. Last evaluated: 2021-09-02. Review status: criteria provided, single submitter. Criteria: Invitae Variant Classification Sherloc (09022015). Collection method: clinical testing. Allele origin: germline.
Comment: This sequence change replaces threonine with serine at codon 54 of the PNPO protein (p.Thr54Ser). The threonine residue is moderately conserved and there is a small physicochemical difference between threonine and serine. This variant is not present in population databases (ExAC no frequency). This variant has not been reported in the literature in individuals affected with PNPO-related conditions. Algorithms developed to predict the effect of missense changes on protein structure and function (SIFT, PolyPhen-2, Align-GVGD) all suggest that this variant is likely to be tolerated. In summary, the available evidence is currently insufficient to determine the role of this variant in disease. Therefore, it has been classified as a Variant of Uncertain Significance.

NM_018129.4(PNPO):c.160A>T (p.Thr54Ser)

Gene: PNPO (pyridoxamine 5'-phosphate oxidase; plus strand). Cytogenetic location: 17q21.32.
Variant type: single nucleotide variant.
Coding change: c.160A>T on transcript NM_018129.4 (MANE Select); coding-DNA position 160, A replaced by T.
Protein change: p.Thr54Ser; replaces threonine 54 with serine.
Molecular consequence: missense variant.
Genome position (GRCh38, 1-based): chr17:47,943,327, A>T. VCF-style: chr17-47943327-A-T. GRCh37 (hg19) VCF-style: chr17-46020693-A-T.
Other names: short protein forms T54S.
Identifiers: ClinVar variation 1386268 (VCV001386268.5), dbSNP rs2144160632, ClinGen allele CA400056040.
Genomic context (GRCh38, chr17:47,943,327, plus strand): 5'-TATATATGTTTATTAAATGAAATAAATCTCCTTTCCTAGGCATTTGAGGAGACTCATCTG[A>T]CCTCCCTTGACCCAGTGAAACAGTTTGCTGCCTGGTTTGAGGAGGCTGTTCAGTGTCCTG-3'
Protein context (NP_060599.1, residues 44-64): DREAFEETHL[Thr54Ser]SLDPVKQFAA